The following is an entry in ClinVar:

ClinVar aggregate classification (germline): Uncertain significance (1 of 4 stars; one submission).

gnomAD v4.1: 1 of 1,590,458 alleles (0.000063%); highest among the groups gnomAD compares: Non-Finnish European, 0.000086%; no homozygotes.

Submission:

Labcorp Genetics (formerly Invitae), Labcorp
Classification: Uncertain significance. Last evaluated: 2021-05-08. Review status: criteria provided, single submitter. Criteria: Invitae Variant Classification Sherloc (09022015). Collection method: clinical testing. Allele origin: germline.
Comment: This sequence change replaces threonine with arginine at codon 192 of the ARMC9 protein (p.Thr192Arg). The threonine residue is moderately conserved and there is a moderate physicochemical difference between threonine and arginine. This variant is not present in population databases (ExAC no frequency). This variant has not been reported in the literature in individuals with ARMC9-related conditions. In summary, the available evidence is currently insufficient to determine the role of this variant in disease. Therefore, it has been classified as a Variant of Uncertain Significance.

NM_001352754.2(ARMC9):c.575C>G (p.Thr192Arg)

Gene: ARMC9 (armadillo repeat containing 9; plus strand). Cytogenetic location: 2q37.1.
Variant type: single nucleotide variant.
Coding change: c.575C>G on transcript NM_001352754.2 (MANE Select); coding-DNA position 575, C replaced by G.
Protein change: p.Thr192Arg; replaces threonine 192 with arginine.
Molecular consequence: missense variant. On other transcripts: non-coding transcript variant (1).
Genome position (GRCh38, 1-based): chr2:231,222,798, C>G. VCF-style: chr2-231222798-C-G. GRCh37 (hg19) VCF-style: chr2-232087511-C-G.
Other names: c.575C>G, p.Thr192Arg (NM_001271466.4, NM_001291656.2, NM_001352755.2 and 5 more transcripts); short protein forms T192R.
Identifiers: ClinVar variation 1397163 (VCV001397163.3), dbSNP rs780766885, ClinGen allele CA350947693.
Genomic context (GRCh38, chr2:231,222,798, plus strand): 5'-CTCCAGAGTTAAAGTTGAAGTTGATAAAGTTTCTAGCTTTAATATCTAAAGCCAGCAACA[C>G]GCCAAAGCTTTTAACAATATATGTATCCTTTTGAAGCAAATAGAGACCACCTATGGTTTT-3'
Protein context (NP_001339683.2, residues 182-202): FLALISKASN[Thr192Arg]PKLLTIYKEN